The following is an entry in ClinVar:

NM_177438.3(DICER1):c.4264GAG[5] (p.Glu1425_Ser1426insGlu)

Gene: DICER1 (dicer 1, ribonuclease III; minus strand). Cytogenetic location: 14q32.13.
Variant type: Microsatellite.
Coding change: c.4264GAG[5] on transcript NM_177438.3 (MANE Select); five copies in a row of the 3-base unit GAG starting at c.4264; the reference has four copies in a row; one copy, 3 bases duplicated.
Protein change: p.Glu1425_Ser1426insGlu.
Molecular consequence: inframe insertion. On other transcripts: frameshift variant (3), non-coding transcript variant (6).
Genome position (GRCh38, 1-based): chr14:95,096,645-95,096,647, CTC duplicated on the plus strand (GAG on the coding strand, the reverse complement: DICER1 is on the minus strand); duplicating any 3 consecutive bases within chr14:95,096,645-95,096,656 gives the same sequence; the position shown is the placement nearest the transcript's 3' end. VCF-style (leftmost placement, unchanged base first): chr14-95096644-T-TCTC. GRCh37 (hg19) VCF-style: chr14-95562981-T-TCTC.
Other names: c.4264GAG[5], p.Glu1425_Ser1426insGlu (NM_001195573.1, NM_001271282.3, NM_001291628.2 and 12 more transcripts); c.4264_4266GAG[5], p.Ser1426Glufs (NM_001395681.1, NM_177438.2); c.3982GAG[5], p.Glu1331_Ser1332insGlu (NM_001395686.1); c.3859GAG[5], p.Glu1290_Ser1291insGlu (NM_001395687.1, NM_001395688.1, NM_001395689.1 and 2 more transcripts); c.3697GAG[5], p.Glu1236_Ser1237insGlu (NM_001395691.1); c.2581GAG[5], p.Glu864_Ser865insGlu (NM_001395697.1); c.4273_4275dupGAG (NM_177438.2).
Identifiers: ClinVar variation 3229404 (VCV003229404.1), dbSNP rs751284020, ClinGen allele CA2536898988.
Genomic context (GRCh38, chr14:95,096,644, plus strand): 5'-CATACTCCAGGAAATCATCTTCATAGTCAGCCTCTTCCTTCGGAGCCCTCCACATCAGGC[T>TCTC]CTCCTCCTCCTCATCCTCCTCCTCGTAATCCTCATCCAGTTTGCCATTCGCCAGCATGCA-3'

ClinVar aggregate classification (germline): Uncertain significance (1 of 4 stars; one submission).

Conditions:
Hereditary cancer-predisposing syndrome. Also called: Neoplastic Syndromes, Hereditary; Tumor predisposition; Hereditary neoplastic syndrome; Hereditary Cancer Syndrome. Identifiers: Orphanet 140162, MedGen C0027672, MeSH D009386, MONDO:0015356.

Submission:

Ambry Genetics
Classification: Uncertain significance for Hereditary cancer-predisposing syndrome. Last evaluated: 2024-01-22. Review status: criteria provided, single submitter. Criteria: Ambry Variant Classification Scheme 2023. Collection method: clinical testing. Allele origin: germline.
Comment: The c.4273_4275dupGAG variant (also known as p.E1425dup), located in coding exon 22 of the DICER1 gene, results from an in-frame duplication of GAG at nucleotide positions 4273 to 4275. This results in the duplication of an extra residue between codons 1425 and 1426. This amino acid position is not well conserved in available vertebrate species. Based on the available evidence, the clinical significance of this alteration remains unclear.